The following is an entry in ClinVar:

ClinVar aggregate classification (germline): Uncertain significance (1 of 4 stars; one submission).

Allele frequency attached by ClinVar (database versions not stated): ESP Exome Variant Server 0.00008; gnomAD exomes 0.00006; ExAC 0.00008; 1000 Genomes Project 0.00020; 1000 Genomes Project 30x 0.00016.
gnomAD v4.1: 195 of 1,614,158 alleles (0.012%); highest among the groups gnomAD compares: Middle Eastern, 0.017%; no homozygotes.

Submission:

GeneDx
Classification: Uncertain significance. Last evaluated: 2025-06-12. Review status: criteria provided, single submitter. Criteria: GeneDx Variant Classification Process June 2021. Collection method: clinical testing. Allele origin: germline. Affected: yes.
Comment: In silico analysis suggests that this missense variant does not alter protein structure/function; Has not been previously published as pathogenic or benign to our knowledge

NM_004667.6(HERC2):c.11170G>A (p.Val3724Ile)

Gene: HERC2 (HECT and RLD domain containing E3 ubiquitin protein ligase 2; minus strand). Cytogenetic location: 15q13.1.
Variant type: single nucleotide variant.
Coding change: c.11170G>A on transcript NM_004667.6 (MANE Select); coding-DNA position 11170, G replaced by A.
Protein change: p.Val3724Ile; replaces valine 3724 with isoleucine.
Molecular consequence: missense variant.
Genome position (GRCh38, 1-based): chr15:28,144,206, C>T on the plus strand (G>A on the coding strand, the complement: HERC2 is on the minus strand). VCF-style: chr15-28144206-C-T. GRCh37 (hg19) VCF-style: chr15-28389352-C-T.
Other names: short protein forms V3724I.
Identifiers: ClinVar variation 1676939 (VCV001676939.3), dbSNP rs149280444, ClinGen allele CA7440621.
Genomic context (GRCh38, chr15:28,144,206, plus strand): 5'-CAAGGTTGAGTCGGAAGTCTAACAGACACGTCACCAAGTCCATGGATGGACAGGAGAGGA[C>T]GCAGCGGTCAGAGAGGAGTTCTTTAGGGCCTGTGAATGAACACTGTAAACATCCCCGGGT-3'
Protein context (NP_004658.3, residues 3714-3734): GPKELLSDRC[Val3724Ile]LSCPSMDLVT